The following is an entry in ClinVar:

ClinVar aggregate classification (germline): Likely pathogenic (1 of 4 stars; one submission).

Conditions:
Early-infantile DEE. Also called: Early infantile epileptic encephalopathy with suppression bursts; Ohtahara syndrome; Early infantile epileptic encephalopathy. Identifiers: Orphanet 1934, MedGen C0393706, MONDO:0800491.

Allele frequency attached by ClinVar (database versions not stated): gnomAD exomes below 0.00001.
gnomAD v4.1: 1 of 1,613,958 alleles (0.000062%); highest among the groups gnomAD compares: Non-Finnish European, 0.000085%; no homozygotes.

Submission:

Labcorp Genetics (formerly Invitae), Labcorp
Classification: Likely pathogenic for Early-infantile DEE. Last evaluated: 2021-04-19. Review status: criteria provided, single submitter. Criteria: Invitae Variant Classification Sherloc (09022015). Collection method: clinical testing. Allele origin: germline.
Comment: This sequence change affects a donor splice site in intron 10 of the ST3GAL3 gene. It is expected to disrupt RNA splicing. Variants that disrupt the donor or acceptor splice site typically lead to a loss of protein function (PMID: 16199547), and loss-of-function variants in ST3GAL3 are known to be pathogenic (PMID: 31584066). This variant is not present in population databases (ExAC no frequency). This variant has not been reported in the literature in individuals with ST3GAL3-related conditions. ClinVar contains an entry for this variant (Variation ID: 1000768). Algorithms developed to predict the effect of sequence changes on RNA splicing suggest that this variant may disrupt the consensus splice site, but this prediction has not been confirmed by published transcriptional studies. In summary, the currently available evidence indicates that the variant is pathogenic, but additional data are needed to prove that conclusively. Therefore, this variant has been classified as Likely Pathogenic.

Literature cited by the submitters: PubMed 16199547; PubMed 31584066.

NM_006279.5(ST3GAL3):c.891+1G>T

Gene: ST3GAL3 (ST3 beta-galactoside alpha-2,3-sialyltransferase 3; plus strand). Cytogenetic location: 1p34.1.
Variant type: single nucleotide variant.
Coding change: c.891+1G>T on transcript NM_006279.5 (MANE Select); the canonical splice donor site of the intron after coding-DNA position 891, G replaced by T.
Molecular consequence: splice donor variant. On other transcripts: intron variant (11).
Genome position (GRCh38, 1-based): chr1:43,920,551, G>T. VCF-style: chr1-43920551-G-T. GRCh37 (hg19) VCF-style: chr1-44386223-G-T.
Other names: c.1098+1G>T (NM_174963.5); c.936+1G>T (NM_001350619.2, NM_174964.4); c.443-9581G>T (NM_174965.4); c.*23-9581G>T (NM_001270465.3); c.555-9581G>T (NM_001270463.3); c.1053+1G>T (NM_174968.5); c.907-9581G>T (NM_001363573.2); c.612+1G>T (NM_001350621.2); and 12 more.
Identifiers: ClinVar variation 1000768 (VCV001000768.10), dbSNP rs2082857900, ClinGen allele CA340032337.